The following is an entry in ClinVar:

ClinVar aggregate classification (germline): Uncertain significance (1 of 4 stars; one submission).

Submission:

GeneDx
Classification: Uncertain significance. Last evaluated: 2025-06-23. Review status: criteria provided, single submitter. Criteria: GeneDx Variant Classification Process June 2021. Collection method: clinical testing. Allele origin: germline. Affected: yes.
Comment: Not observed at significant frequency in large population cohorts (gnomAD); In silico analysis supports that this missense variant has a deleterious effect on protein structure/function; Has not been previously published as pathogenic or benign to our knowledge

NM_002816.5(PSMD12):c.395C>T (p.Thr132Ile)

Gene: PSMD12 (proteasome 26S subunit, non-ATPase 12; minus strand). Cytogenetic location: 17q24.2.
Variant type: single nucleotide variant.
Coding change: c.395C>T on transcript NM_002816.5 (MANE Select); coding-DNA position 395, C replaced by T.
Protein change: p.Thr132Ile; replaces threonine 132 with isoleucine.
Molecular consequence: missense variant.
Genome position (GRCh38, 1-based): chr17:67,350,239, G>A on the plus strand (C>T on the coding strand, the complement: PSMD12 is on the minus strand). VCF-style: chr17-67350239-G-A. GRCh37 (hg19) VCF-style: chr17-65346355-G-A.
Other names: c.218C>T, p.Thr73Ile (NM_001316341.2); c.335C>T, p.Thr112Ile (NM_174871.4); short protein forms T112I, T132I, T73I.
Identifiers: ClinVar variation 4539987 (VCV004539987.1).